The following is an entry in ClinVar:

ClinVar aggregate classification (germline): Pathogenic (1 of 4 stars; one submission).

Conditions:
Primary ciliary dyskinesia. Also called: Ciliary dyskinesia. Identifiers: Orphanet 244, MedGen C0008780, MONDO:0016575, HP:0012265.

Submission:

Labcorp Genetics (formerly Invitae), Labcorp
Classification: Pathogenic for Primary ciliary dyskinesia. Last evaluated: 2023-06-14. Review status: criteria provided, single submitter. Criteria: Invitae Variant Classification Sherloc (09022015). Collection method: clinical testing. Allele origin: germline.
Comment: This sequence change creates a premature translational stop signal (p.Glu2741*) in the DNAH11 gene. It is expected to result in an absent or disrupted protein product. Loss-of-function variants in DNAH11 are known to be pathogenic (PMID: 18022865, 20513915, 22184204). This variant is not present in population databases (gnomAD no frequency). This variant has not been reported in the literature in individuals affected with DNAH11-related conditions. Algorithms developed to predict the effect of sequence changes on RNA splicing suggest that this variant may disrupt the consensus splice site. For these reasons, this variant has been classified as Pathogenic.

Literature cited by the submitters: PubMed 18022865; PubMed 20513915; PubMed 22184204.

NM_001277115.2(DNAH11):c.8221G>T (p.Glu2741Ter)

Gene: DNAH11 (dynein axonemal heavy chain 11; plus strand). Cytogenetic location: 7p15.3.
Variant type: single nucleotide variant.
Coding change: c.8221G>T on transcript NM_001277115.2 (MANE Select); coding-DNA position 8221, G replaced by T.
Protein change: p.Glu2741Ter; replaces glutamic acid 2741 with a stop codon.
Molecular consequence: nonsense.
Genome position (GRCh38, 1-based): chr7:21,744,504, G>T. VCF-style: chr7-21744504-G-T. GRCh37 (hg19) VCF-style: chr7-21784122-G-T.
Other names: c.8242G>T, p.Glu2748Ter (NM_003777.3); short protein forms E2741*, E2748*.
Identifiers: ClinVar variation 2715138 (VCV002715138.3), dbSNP rs2535116914, ClinGen allele CA366953681.